The following is an entry in ClinVar:

NM_001371986.1(UNC80):c.5960C>T (p.Pro1987Leu)

Gene: UNC80 (unc-80 subunit of NALCN channel complex; plus strand). Cytogenetic location: 2q34.
Variant type: single nucleotide variant.
Coding change: c.5960C>T on transcript NM_001371986.1 (MANE Select); coding-DNA position 5960, C replaced by T.
Protein change: p.Pro1987Leu; replaces proline 1987 with leucine.
Molecular consequence: missense variant.
Genome position (GRCh38, 1-based): chr2:209,931,020, C>T. VCF-style: chr2-209931020-C-T. GRCh37 (hg19) VCF-style: chr2-210795744-C-T.
Other names: c.5762C>T, p.Pro1921Leu (NM_032504.2); c.5747C>T, p.Pro1916Leu (NM_182587.4); short protein forms P1916L, P1987L, P1921L.
Identifiers: ClinVar variation 1370978 (VCV001370978.6), dbSNP rs2124965758, ClinGen allele CA350767459.

ClinVar aggregate classification (germline): Uncertain significance (1 of 4 stars; one submission).

Submission:

Labcorp Genetics (formerly Invitae), Labcorp
Classification: Uncertain significance. Last evaluated: 2021-07-30. Review status: criteria provided, single submitter. Criteria: Invitae Variant Classification Sherloc (09022015). Collection method: clinical testing. Allele origin: germline.
Comment: Algorithms developed to predict the effect of missense changes on protein structure and function are either unavailable or do not agree on the potential impact of this missense change (SIFT: "Not Available"; PolyPhen-2: "Probably Damaging"; Align-GVGD: "Not Available"). This variant has not been reported in the literature in individuals affected with UNC80-related conditions. This variant is not present in population databases (ExAC no frequency). This sequence change replaces proline with leucine at codon 1921 of the UNC80 protein (p.Pro1921Leu). The proline residue is moderately conserved and there is a moderate physicochemical difference between proline and leucine. In summary, the available evidence is currently insufficient to determine the role of this variant in disease. Therefore, it has been classified as a Variant of Uncertain Significance.